The following is an entry in ClinVar:

ClinVar aggregate classification (germline): Likely benign (1 of 4 stars; one submission).

Submission:

CeGaT Center for Human Genetics Tuebingen
Classification: Likely benign. Last evaluated: 2026-01-01. Review status: criteria provided, single submitter. Criteria: CeGaT Center For Human Genetics Tuebingen Variant Classification Criteria Version 2. Collection method: clinical testing. Allele origin: germline. Affected: yes. Observed: 1 variant allele.
Comment: LMNTD2: PM2:Supporting, BP4, BP7

NM_173573.3(LMNTD2):c.817C>T (p.Leu273=)

Gene: LMNTD2 (lamin tail domain containing 2; minus strand). Cytogenetic location: 11p15.5.
Variant type: single nucleotide variant.
Coding change: c.817C>T on transcript NM_173573.3 (MANE Select); coding-DNA position 817, C replaced by T.
Protein change: p.Leu273=; no amino-acid change (leucine 273 retained).
Molecular consequence: synonymous variant.
Genome position (GRCh38, 1-based): chr11:556,994, G>A on the plus strand (C>T on the coding strand, the complement: LMNTD2 is on the minus strand). VCF-style: chr11-556994-G-A. GRCh37 (hg19) VCF-style: chr11-556994-G-A.
Identifiers: ClinVar variation 4822778 (VCV004822778.4).